The following is an entry in ClinVar:

NM_001378615.1(CC2D2A):c.2441T>C (p.Ile814Thr)

Genes: CC2D2A (coiled-coil and C2 domain containing 2A; plus strand), FBXL5 (F-box and leucine rich repeat protein 5; minus strand). Cytogenetic location: 4p15.32.
Variant type: single nucleotide variant.
Coding change: c.2441T>C on transcript NM_001378615.1 (MANE Select); coding-DNA position 2441, T replaced by C.
Protein change: p.Ile814Thr; replaces isoleucine 814 with threonine.
Molecular consequence: missense variant.
Genome position (GRCh38, 1-based): chr4:15,553,260, T>C. VCF-style: chr4-15553260-T-C. GRCh37 (hg19) VCF-style: chr4-15554883-T-C.
Other names: c.2441T>C, p.Ile814Thr (NM_001080522.2); c.2294T>C, p.Ile765Thr (NM_001378617.1); short protein forms I814T, I765T.
Identifiers: ClinVar variation 1037321 (VCV001037321.12), dbSNP rs369305472, ClinGen allele CA2863921.

ClinVar aggregate classification (germline): Conflicting classifications of pathogenicity. Review status: criteria provided, conflicting classifications (1 of 4 stars). 4 submissions from 4 submitters: Uncertain significance (3); Likely benign (1). Last evaluated 2026-02-10.

Conditions:
Joubert syndrome. Also called: JOUBERT-BOLTSHAUSER SYNDROME; Familial aplasia of the vermis. Identifiers: Orphanet 475, MedGen C5979921, MONDO:0018772.
Meckel-Gruber syndrome. Also called: Dysencephalia splachnocystica; DYSENCEPHALIA SPLANCHNOCYSTICA; GRUBER SYNDROME. Identifiers: Orphanet 564, MedGen C0265215, MONDO:0018921.
CC2D2A-related disorder. Also called: CC2D2A-related condition; CC2D2A-related disorders. Identifiers: MedGen CN239313.
Inborn genetic diseases. Identifiers: MedGen C0950123, MeSH D030342.

Allele frequency attached by ClinVar (database versions not stated): gnomAD 0.00004 and 0.00008; gnomAD exomes 0.00004 and 0.00007; ExAC 0.00005; TOPMed 0.00007; ESP Exome Variant Server 0.00016.
gnomAD v4.1: 70 of 1,613,358 alleles (0.0043%); highest among the groups gnomAD compares: East Asian, 0.067%; no homozygotes.

Submissions (4):

PreventionGenetics, part of Exact Sciences
Classification: Uncertain significance for CC2D2A-related condition. Last evaluated: 2026-02-10. Review status: criteria provided, single submitter. Criteria: ACMG Guidelines, 2015. Collection method: clinical testing. Allele origin: germline.
Comment: The CC2D2A c.2441T>C variant is predicted to result in the amino acid substitution p.Ile814Thr. To our knowledge, this variant has not been reported in the literature. This variant is reported in 0.062% of alleles in individuals of East Asian descent in gnomAD. Although we suspect that this variant may be benign, at this time, the clinical significance of this variant is uncertain due to the absence of conclusive functional and genetic evidence.

Labcorp Genetics (formerly Invitae), Labcorp
Classification: Likely benign for Joubert syndrome; Meckel-Gruber syndrome. Last evaluated: 2026-01-20. Review status: criteria provided, single submitter. Criteria: Invitae Variant Classification Sherloc (09022015). Collection method: clinical testing. Allele origin: germline.

Blueprint Genetics
Classification: Uncertain significance. Last evaluated: 2024-01-11. Review status: criteria provided, single submitter. Criteria: ACMG Guidelines, 2015. Collection method: clinical testing. Allele origin: germline.

Ambry Genetics
Classification: Uncertain significance for Inborn genetic diseases. Last evaluated: 2022-12-20. Review status: criteria provided, single submitter. Criteria: Ambry Variant Classification Scheme 2023. Collection method: clinical testing. Allele origin: germline.